The following is an entry in ClinVar:

ClinVar aggregate classification (germline): Likely benign (1 of 4 stars; one submission).

Conditions:
Leigh syndrome (NULS). Also called: Leigh's necrotizing encephalopathy; Leigh's disease; Leigh Syndrome (mtDNA deletion); Leigh Disease; Subacute necrotizing encephalopathy; Necrotizing encephalopathy infantile subacute of Leigh. Identifiers: Orphanet 506, MedGen C2931891, MONDO:0009723, OMIM 256000.

Submission:

Wong Mito Lab, Molecular and Human Genetics, Baylor College of Medicine
Classification: Likely benign for Leigh syndrome. Last evaluated: 2019-10-17. Review status: criteria provided, single submitter. Criteria: Modified ACMG Guidelines (Unpublished). Collection method: clinical testing. Allele origin: germline.
Comment: The NC_012920.1:m.4911T>G (YP_003024027.1:p.Ser148Ala) variant in MTND2 gene is interpretated to be a Likely Benign variant based on the modified ACMG guidelines (unpublished). This variant meets the following evidence codes: BP4, BP6

NC_012920.1(MT-ND2):m.4911T>G

Gene: MT-ND2 (mitochondrially encoded NADH dehydrogenase 2; plus strand).
Variant type: single nucleotide variant.
Genome position: chrM-4911-T-G.
Identifiers: ClinVar variation 692517 (VCV000692517.1), dbSNP rs1603219671, ClinGen allele CA414778063.